The following is an entry in ClinVar:

NM_007294.4(BRCA1):c.3843G>T (p.Gln1281His)

Genes: BRCA1 (BRCA1 DNA repair associated; minus strand), LOC126862571 (BRD4-independent group 4 enhancer GRCh37_chr17:41243136-41244335; plus strand). Cytogenetic location: 17q21.31.
Variant type: single nucleotide variant.
Coding change: c.3843G>T on transcript NM_007294.4 (MANE Select); coding-DNA position 3843, G replaced by T.
Protein change: p.Gln1281His; replaces glutamine 1281 with histidine.
Molecular consequence: missense variant. On other transcripts: intron variant (135).
Genome position (GRCh38, 1-based): chr17:43,091,688, C>A on the plus strand (G>T on the coding strand, the complement: BRCA1 is on the minus strand). VCF-style: chr17-43091688-C-A. GRCh37 (hg19) VCF-style: chr17-41243705-C-A.
Other names: c.3702G>T, p.Gln1234His (NM_001407697.1, NM_001407698.1, NM_001407724.1 and 29 more transcripts); c.3699G>T, p.Gln1233His (NM_001407742.1, NM_001407743.1, NM_001407740.1 and 20 more transcripts); c.3510G>T, p.Gln1170His (NM_001407946.1, NM_001407947.1, NM_001407948.1 and 6 more transcripts); c.3507G>T, p.Gln1169His (NM_001407954.1, NM_001407955.1, NM_001407956.1 and 1 more transcripts); c.3462G>T, p.Gln1154His (NM_001407959.1, NM_001407960.1, NM_001407963.1); c.3459G>T, p.Gln1153His (NM_001407962.1); c.3339G>T, p.Gln1113His (NM_001407965.1); c.2955G>T, p.Gln985His (NM_001407966.1, NM_001407967.1); and 41 more; short protein forms Q1281H, Q1234H, Q1192H, Q1214H, Q1153H, Q1193H, Q413H, Q985H.
Identifiers: ClinVar variation 640718 (VCV000640718.12), dbSNP rs1597860926, ClinGen allele CA10594280.

ClinVar aggregate classification (germline): Conflicting classifications of pathogenicity. Review status: criteria provided, conflicting classifications (1 of 4 stars). 2 submissions from 2 submitters: Uncertain significance (1); Likely benign (1). Last evaluated 2023-03-23.

Conditions:
Hereditary cancer-predisposing syndrome. Also called: Neoplastic Syndromes, Hereditary; Tumor predisposition; Hereditary Cancer Syndrome; Hereditary neoplastic syndrome. Identifiers: Orphanet 140162, MedGen C0027672, MeSH D009386, MONDO:0015356.
Hereditary breast ovarian cancer syndrome. Also called: Hereditary breast and ovarian cancer; Hereditary breast and ovarian cancer syndrome (HBOC); BRCA1- and BRCA2-Associated Hereditary Breast and Ovarian Cancer; Hereditary breast and ovarian cancer syndrome; Hereditary breast and/or ovarian cancer syndrome; Breast and ovarian cancer. Identifiers: Orphanet 145, MedGen C0677776, MeSH D061325, MONDO:0003582. Disease mechanism: loss of function.

Submissions (2):

University of Washington Department of Laboratory Medicine, University of Washington
Classification: Likely benign for Hereditary cancer-predisposing syndrome. Last evaluated: 2023-03-23. Review status: criteria provided, single submitter. Criteria: Dines et al. (Genet Med. 2020). Collection method: curation. Allele origin: germline.
Comment: Missense variant in a coldspot region where missense variants are very unlikely to be pathogenic (PMID:31911673).

BRCA1 coldspot (exon 11 using historical exon numbering). Reclassification based on statistical prior probability

Labcorp Genetics (formerly Invitae), Labcorp
Classification: Uncertain significance for Hereditary breast ovarian cancer syndrome. Last evaluated: 2018-09-24. Review status: criteria provided, single submitter. Criteria: Invitae Variant Classification Sherloc (09022015). Collection method: clinical testing. Allele origin: germline.
Comment: In summary, the available evidence is currently insufficient to determine the role of this variant in disease. Therefore, it has been classified as a Variant of Uncertain Significance. Algorithms developed to predict the effect of missense changes on protein structure and function (SIFT, PolyPhen-2, Align-GVGD) all suggest that this variant is likely to be tolerated, but these predictions have not been confirmed by published functional studies and their clinical significance is uncertain. This variant has not been reported in the literature in individuals with BRCA1-related disease. This variant is not present in population databases (ExAC no frequency). This sequence change replaces glutamine with histidine at codon 1281 of the BRCA1 protein (p.Gln1281His). The glutamine residue is moderately conserved and there is a small physicochemical difference between glutamine and histidine.